The following is an entry in ClinVar:

ClinVar aggregate classification (germline): Uncertain significance (1 of 4 stars; one submission).

Conditions:
TYRP1-related disorder. Also called: TYRP1-related condition.

Allele frequency attached by ClinVar (database versions not stated): gnomAD 0.00001; gnomAD exomes 0.00001; TOPMed 0.00001.
gnomAD v4.1: 7 of 1,613,716 alleles (0.00043%); highest among the groups gnomAD compares: Non-Finnish European, 0.00059%; no homozygotes.

Submission:

PreventionGenetics, part of Exact Sciences
Classification: Uncertain significance for TYRP1-related condition. Last evaluated: 2023-04-25. Review status: criteria provided, single submitter. Criteria: ACMG Guidelines, 2015. Collection method: clinical testing. Allele origin: germline.
Comment: The TYRP1 c.791A>T variant is predicted to result in the amino acid substitution p.Asp264Val. To our knowledge, this variant has not been reported in the literature. This variant is reported in 0.0023% of alleles in individuals of European (Non-Finnish) descent in gnomAD. At this time, the clinical significance of this variant is uncertain due to the absence of conclusive functional and genetic evidence.

NM_000550.3(TYRP1):c.791A>T (p.Asp264Val)

Gene: TYRP1 (tyrosinase related protein 1; plus strand). Cytogenetic location: 9p23.
Variant type: single nucleotide variant.
Coding change: c.791A>T on transcript NM_000550.3 (MANE Select); coding-DNA position 791, A replaced by T.
Protein change: p.Asp264Val; replaces aspartic acid 264 with valine.
Molecular consequence: missense variant.
Genome position (GRCh38, 1-based): chr9:12,698,533, A>T. VCF-style: chr9-12698533-A-T. GRCh37 (hg19) VCF-style: chr9-12698533-A-T.
Other names: short protein forms D264V.
Identifiers: ClinVar variation 2632060 (VCV002632060.1), dbSNP rs1205785638, ClinGen allele CA372939642.
Genomic context (GRCh38, chr9:12,698,533, plus strand): 5'-TCTCCCTTCCTTACTGGAATTTTGCAACGGGGAAAAATGTCTGTGATATCTGCACGGATG[A>T]CTTGATGGGATCCAGAAGCAACTTTGATTCCACTCTAATAAGCCCAAACTCTGTCTTTTC-3'
Protein context (NP_000541.1, residues 254-274): GKNVCDICTD[Asp264Val]LMGSRSNFDS